The following is an entry in ClinVar:

ClinVar aggregate classification (germline): Pathogenic/Likely pathogenic. Review status: criteria provided, multiple submitters, no conflicts (2 of 4 stars). 2 submissions from 2 submitters: Pathogenic (1); Likely pathogenic (1). Last evaluated 2026-03-04.

Conditions:
Neurodevelopmental disorder with epilepsy and hypoplasia of the corpus callosum. Identifiers: MedGen C4748137, MONDO:0060761, OMIM 618090.

Submissions (2):

Broad Center for Mendelian Genomics, Broad Institute of MIT and Harvard
Classification: Likely pathogenic for Neurodevelopmental disorder with epilepsy and hypoplasia of the corpus callosum. Last evaluated: 2026-03-04. Review status: criteria provided, single submitter. Criteria: ACMG Guidelines, 2015. Collection method: research. Allele origin: germline. Inheritance: Autosomal recessive inheritance. Study: GREGoR Consortium.
Comment: The p.Pro208GlnfsTer37 variant in LNPK has not been previously reported in individuals with neurodevelopmental disorder with epilepsy and hypoplasia of the corpus callosum, but has been identified in 0.004% (53/1179972) of European (non-Finnish) chromosomes by gnomAD. This variant has also been reported in ClinVar (Variation ID 2820631). This variant is predicted to cause a frameshift, which alters the protein’s amino acid sequence beginning at position 208 and leads to a premature termination codon 37 amino acids downstream. Loss of function of the LNPK gene is an established disease mechanism in autosomal recessive neurodevelopmental disorder with epilepsy and hypoplasia of the corpus callosum. In summary, although additional studies are required to fully establish its clinical significance, this variant meets criteria to be classified as likely pathogenic for autosomal recessive neurodevelopmental disorder with epilepsy and hypoplasia of the corpus callosum. ACMG/AMP Criteria applied: PVS1, PM2_supporting.

Labcorp Genetics (formerly Invitae), Labcorp
Classification: Pathogenic. Last evaluated: 2022-12-14. Review status: criteria provided, single submitter. Criteria: Invitae Variant Classification Sherloc (09022015). Collection method: clinical testing. Allele origin: germline.
Comment: For these reasons, this variant has been classified as Pathogenic. This variant has not been reported in the literature in individuals affected with LNPK-related conditions. This variant is present in population databases (rs764093382, gnomAD 0.004%). This sequence change creates a premature translational stop signal (p.Pro208Glnfs*37) in the LNPK gene. It is expected to result in an absent or disrupted protein product. Loss-of-function variants in LNPK are known to be pathogenic (PMID: 30032983).

Literature cited by the submitters: PubMed 30032983 (cited by Labcorp Genetics (formerly Invitae), Labcorp).

NM_030650.3(LNPK):c.623del (p.Pro208fs)

Gene: LNPK (lunapark, ER junction formation factor; minus strand). Cytogenetic location: 2q31.1.
Variant type: Deletion.
Coding change: c.623del on transcript NM_030650.3 (MANE Select); coding-DNA position 623, one base deleted (C; older notation c.623delC).
Protein change: p.Pro208fs; shifts the reading frame from proline 208.
Molecular consequence: frameshift variant. On other transcripts: non-coding transcript variant (1).
Genome position (GRCh38, 1-based): chr2:175,947,563, G deleted on the plus strand (C on the coding strand, the reverse complement: LNPK is on the minus strand); the first of 5 consecutive G bases (chr2:175,947,563-175,947,567); deleting any one gives the same sequence. VCF-style (leftmost placement, unchanged base first): chr2-175947562-TG-T. GRCh37 (hg19) VCF-style: chr2-176812290-TG-T.
Other names: NM_030650.3(LNPK):c.623del; p.Pro208fs; c.821del, p.Pro274fs (NM_001305008.1); c.623del, p.Pro208fs (NM_001305009.1); c.629del, p.Pro210fs (NM_001305010.1); c.254del, p.Pro85fs (NM_001305011.2); short protein forms P208fs, P210fs, P274fs, P85fs.
Identifiers: ClinVar variation 2820631 (VCV002820631.4), dbSNP rs764093382, ClinGen allele CA1975941.